The following is an entry in ClinVar:

ClinVar aggregate classification (germline): Uncertain significance (0 of 4 stars; one submission).

Conditions:
CDK19-related disorder. Also called: CDK19-related condition.

Submission:

PreventionGenetics, part of Exact Sciences
Classification: Uncertain significance for CDK19-related condition. Last evaluated: 2024-09-16. Review status: no assertion criteria provided. Collection method: clinical testing. Allele origin: germline.
Comment: The CDK19 c.1021C>T variant is predicted to result in the amino acid substitution p.Pro341Ser. To our knowledge, this variant has not been reported in the literature or in a large population database, indicating this variant is rare. At this time, the clinical significance of this variant is uncertain due to the absence of conclusive functional and genetic evidence.

NM_015076.5(CDK19):c.1021C>T (p.Pro341Ser)

Gene: CDK19 (cyclin dependent kinase 19; minus strand). Cytogenetic location: 6q21.
Variant type: single nucleotide variant.
Coding change: c.1021C>T on transcript NM_015076.5 (MANE Select); coding-DNA position 1021, C replaced by T.
Protein change: p.Pro341Ser; replaces proline 341 with serine.
Molecular consequence: missense variant.
Genome position (GRCh38, 1-based): chr6:110,622,825, G>A on the plus strand (C>T on the coding strand, the complement: CDK19 is on the minus strand). VCF-style: chr6-110622825-G-A. GRCh37 (hg19) VCF-style: chr6-110944028-G-A.
Other names: c.889C>T, p.Pro297Ser (NM_001300960.2); c.841C>T, p.Pro281Ser (NM_001300963.2, NM_001300964.2); short protein forms P281S, P297S, P341S.
Identifiers: ClinVar variation 3344189 (VCV003344189.1).
Genomic context (GRCh38, chr6:110,622,825, plus strand): 5'-GCAGCCTCCTCAGCCTGGAGCAAAGGACACAGAAAAGACAGGATACATACTCTAATGTTG[G>A]CAAAGGGTCCTCCTGAAAATAGGGATCCTGCAGAGCTTGCTCCGAGGTAATTCTCTTGGT-3'
Protein context (NP_055891.1, residues 331-351): QDPYFQEDPL[Pro341Ser]TLDVFAGCQI